The following is an entry in ClinVar:

NM_000222.3(KIT):c.2338A>G (p.Met780Val)

Gene: KIT (KIT proto-oncogene, receptor tyrosine kinase; plus strand). Cytogenetic location: 4q12.
Variant type: single nucleotide variant.
Coding change: c.2338A>G on transcript NM_000222.3 (MANE Select); coding-DNA position 2338, A replaced by G.
Protein change: p.Met780Val; replaces methionine 780 with valine.
Molecular consequence: missense variant.
Genome position (GRCh38, 1-based): chr4:54,731,975, A>G. VCF-style: chr4-54731975-A-G. GRCh37 (hg19) VCF-style: chr4-55598141-A-G.
Other names: c.2326A>G, p.Met776Val (NM_001093772.2, NM_001385292.1); c.2341A>G, p.Met781Val (NM_001385284.1); c.2335A>G, p.Met779Val (NM_001385285.1); c.2323A>G, p.Met775Val (NM_001385286.1); c.2329A>G, p.Met777Val (NM_001385288.1); c.2338A>G, p.Met780Val (NM_001385290.1); short protein forms M777V, M779V, M775V, M776V, M780V, M781V.
Identifiers: ClinVar variation 2149289 (VCV002149289.5), dbSNP rs2109795949, ClinGen allele CA356911101.

ClinVar aggregate classification (germline): Uncertain significance. Review status: criteria provided, multiple submitters, no conflicts (2 of 4 stars). 2 submissions from 2 submitters: Uncertain significance (2). Last evaluated 2025-02-19.

Conditions:
Gastrointestinal stromal tumor. Also called: Gastrointestinal stroma tumor; Gastrointestinal stromal tumor, somatic. Identifiers: Orphanet 44890, MedGen C0238198, MeSH D046152, MONDO:0011719, OMIM 606764, HP:0100723.
Hereditary cancer-predisposing syndrome. Also called: Hereditary Cancer Syndrome; Hereditary neoplastic syndrome; Neoplastic Syndromes, Hereditary; Tumor predisposition. Identifiers: Orphanet 140162, MedGen C0027672, MeSH D009386, MONDO:0015356.

Submissions (2):

Ambry Genetics
Classification: Uncertain significance for Hereditary cancer-predisposing syndrome. Last evaluated: 2025-02-19. Review status: criteria provided, single submitter. Criteria: Ambry Variant Classification Scheme 2023. Collection method: clinical testing. Allele origin: germline.
Comment: The p.M780V variant (also known as c.2338A>G), located in coding exon 16 of the KIT gene, results from an A to G substitution at nucleotide position 2338. The methionine at codon 780 is replaced by valine, an amino acid with highly similar properties. This amino acid position is conserved. In addition, this alteration is predicted to be deleterious by in silico analysis. Based on the available evidence, the clinical significance of this variant remains unclear.

Labcorp Genetics (formerly Invitae), Labcorp
Classification: Uncertain significance for Gastrointestinal stromal tumor. Last evaluated: 2022-10-10. Review status: criteria provided, single submitter. Criteria: Invitae Variant Classification Sherloc (09022015). Collection method: clinical testing. Allele origin: germline.
Comment: In summary, the available evidence is currently insufficient to determine the role of this variant in disease. Therefore, it has been classified as a Variant of Uncertain Significance. Algorithms developed to predict the effect of missense changes on protein structure and function are either unavailable or do not agree on the potential impact of this missense change (SIFT: "Deleterious"; PolyPhen-2: "Possibly Damaging"; Align-GVGD: "Class C15"). This variant has not been reported in the literature in individuals affected with KIT-related conditions. This variant is not present in population databases (gnomAD no frequency). This sequence change replaces methionine, which is neutral and non-polar, with valine, which is neutral and non-polar, at codon 780 of the KIT protein (p.Met780Val).